The following is an entry in ClinVar:

ClinVar aggregate classification (germline): Uncertain significance (1 of 4 stars; one submission).

Submission:

Dasa
Classification: Uncertain significance. Last evaluated: 2026-03-24. Review status: criteria provided, single submitter. Criteria: DASA Assertion Criteria. Collection method: clinical testing. Allele origin: germline.
Comment: NM_002069.6(GNAI1):c.985A>G (p.Thr329Ala) is a missense variant that results in the substitution of threonine with alanine. This variant is absent from population databases. Computational prediction algorithms are consistent with a deleterious effect. The currently available literature and clinical evidence are not sufficient to establish a definitive association between this variant and the reported condition. Therefore, this variant is classified as a variant of uncertain significance.

NM_002069.6(GNAI1):c.985A>G (p.Thr329Ala)

Gene: GNAI1 (G protein subunit alpha i1; plus strand). Cytogenetic location: 7q21.11.
Variant type: single nucleotide variant.
Coding change: c.985A>G on transcript NM_002069.6 (MANE Select); coding-DNA position 985, A replaced by G.
Protein change: p.Thr329Ala; replaces threonine 329 with alanine.
Molecular consequence: missense variant.
Genome position (GRCh38, 1-based): chr7:80,217,413, A>G. VCF-style: chr7-80217413-A-G. GRCh37 (hg19) VCF-style: chr7-79846729-A-G.
Other names: c.829A>G, p.Thr277Ala (NM_001256414.2); short protein forms T277A, T329A.
Identifiers: ClinVar variation 5020685 (VCV005020685.1).